The following is an entry in ClinVar:

NM_003482.4(KMT2D):c.1741A>C (p.Met581Leu)

Gene: KMT2D (lysine methyltransferase 2D; minus strand). Cytogenetic location: 12q13.12.
Variant type: single nucleotide variant.
Coding change: c.1741A>C on transcript NM_003482.4 (MANE Select); coding-DNA position 1741, A replaced by C.
Protein change: p.Met581Leu; replaces methionine 581 with leucine.
Molecular consequence: missense variant.
Genome position (GRCh38, 1-based): chr12:49,051,942, T>G on the plus strand (A>C on the coding strand, the complement: KMT2D is on the minus strand). VCF-style: chr12-49051942-T-G. GRCh37 (hg19) VCF-style: chr12-49445725-T-G.
Other names: short protein forms M581L.
Identifiers: ClinVar variation 2705461 (VCV002705461.3), dbSNP rs1446869144, ClinGen allele CA384673358.

ClinVar aggregate classification (germline): Uncertain significance (1 of 4 stars; one submission).

Conditions:
Kabuki syndrome. Also called: Kabuki make-up syndrome; NIIKAWA-KUROKI SYNDROME. Identifiers: Orphanet 2322, MedGen C0796004, MONDO:0016512.

Submission:

Labcorp Genetics (formerly Invitae), Labcorp
Classification: Uncertain significance for Kabuki syndrome. Last evaluated: 2023-12-25. Review status: criteria provided, single submitter. Criteria: Invitae Variant Classification Sherloc (09022015). Collection method: clinical testing. Allele origin: germline.
Comment: This sequence change replaces methionine, which is neutral and non-polar, with leucine, which is neutral and non-polar, at codon 581 of the KMT2D protein (p.Met581Leu). This variant is not present in population databases (gnomAD no frequency). This variant has not been reported in the literature in individuals affected with KMT2D-related conditions. Advanced modeling of protein sequence and biophysical properties (such as structural, functional, and spatial information, amino acid conservation, physicochemical variation, residue mobility, and thermodynamic stability) performed at Invitae indicates that this missense variant is not expected to disrupt KMT2D protein function with a negative predictive value of 95%. In summary, the available evidence is currently insufficient to determine the role of this variant in disease. Therefore, it has been classified as a Variant of Uncertain Significance.